The following is an entry in ClinVar:

NM_005491.5(MAMLD1):c.*369C>T

Gene: MAMLD1 (mastermind like domain containing 1; plus strand). Cytogenetic location: Xq28.
Variant type: single nucleotide variant.
Coding change: c.*369C>T on transcript NM_005491.5 (MANE Select); 369 bases downstream of the stop codon, C replaced by T.
Molecular consequence: 3 prime UTR variant. On other transcripts: missense variant (2).
Genome position (GRCh38, 1-based): chrX:150,512,328, C>T. VCF-style: chrX-150512328-C-T. GRCh37 (hg19) VCF-style: chrX-149680598-C-T.
Other names: c.2252C>T, p.Pro751Leu (NM_001177465.3); c.*369C>T (NM_001177466.3, NM_001400513.1, NM_001400514.1 and 1 more transcripts); c.2327C>T, p.Pro776Leu (NM_001400512.1); short protein forms P751L, P776L.
Identifiers: ClinVar variation 4822217 (VCV004822217.4).

ClinVar aggregate classification (germline): Likely benign (1 of 4 stars; one submission).

Submission:

CeGaT Center for Human Genetics Tuebingen
Classification: Likely benign. Last evaluated: 2026-02-01. Review status: criteria provided, single submitter. Criteria: CeGaT Center For Human Genetics Tuebingen Variant Classification Criteria Version 2. Collection method: clinical testing. Allele origin: germline. Affected: yes. Observed: 1 variant allele.
Comment: MAMLD1: BP4, BS2